The following is an entry in ClinVar:

ClinVar aggregate classification (germline): Likely pathogenic (1 of 4 stars; one submission).

Conditions:
Intellectual developmental disorder, X-linked, syndromic, Nascimento type. Also called: MENTAL RETARDATION, X-LINKED, SYNDROMIC 30; Syndromic X-linked intellectual disability Nascimento type. Identifiers: Orphanet 163956, MedGen C3275464, MONDO:0010461, OMIM 300860.

Submission:

3billion
Classification: Likely pathogenic for Intellectual developmental disorder, X-linked, syndromic, Nascimento type. Last evaluated: 2023-10-13. Review status: criteria provided, single submitter. Criteria: ACMG Guidelines, 2015. Collection method: clinical testing. Allele origin: germline. Affected: yes.
Comment: The variant is not observed in the gnomAD v2.1.1 dataset. Predicted Consequence/Location: Canonical splice site: predicted to alter splicing and result in a loss or disruption of normal protein function. Multiple pathogenic loss-of-function variants are reported downstream of the variant. Therefore, this variant is classified as Likely pathogenic according to the recommendation of ACMG/AMP guideline.

NM_003336.4(UBE2A):c.330+1G>C

Gene: UBE2A (ubiquitin conjugating enzyme E2 A; plus strand). Cytogenetic location: Xq24.
Variant type: single nucleotide variant.
Coding change: c.330+1G>C on transcript NM_003336.4 (MANE Select); the canonical splice donor site of the intron after coding-DNA position 330, G replaced by C.
Molecular consequence: splice donor variant.
Genome position (GRCh38, 1-based): chrX:119,582,677, G>C. VCF-style: chrX-119582677-G-C. GRCh37 (hg19) VCF-style: chrX-118716640-G-C.
Other names: c.240+1G>C (NM_181762.3); c.231+1G>C (NM_001282161.2).
Identifiers: ClinVar variation 3775532 (VCV003775532.1).